The following is an entry in ClinVar:

NM_001034850.3(RETREG1):c.775G>C (p.Glu259Gln)

Gene: RETREG1 (reticulophagy regulator 1; minus strand). Cytogenetic location: 5p15.1.
Variant type: single nucleotide variant.
Coding change: c.775G>C on transcript NM_001034850.3 (MANE Select); coding-DNA position 775, G replaced by C.
Protein change: p.Glu259Gln; replaces glutamic acid 259 with glutamine.
Molecular consequence: missense variant.
Genome position (GRCh38, 1-based): chr5:16,478,883, C>G on the plus strand (G>C on the coding strand, the complement: RETREG1 is on the minus strand). VCF-style: chr5-16478883-C-G. GRCh37 (hg19) VCF-style: chr5-16478992-C-G.
Other names: p.Glu259Gln; c.352G>C, p.Glu118Gln (NM_019000.5); c.775G>C (NM_001034850.2); short protein forms E118Q, E259Q.
Identifiers: ClinVar variation 1376267 (VCV001376267.4), dbSNP rs751185980, ClinGen allele CA3210350.

ClinVar aggregate classification (germline): Uncertain significance. Review status: criteria provided, multiple submitters, no conflicts (2 of 4 stars). 2 submissions from 2 submitters: Uncertain significance (2). Last evaluated 2021-10-08.

Allele frequency attached by ClinVar (database versions not stated): gnomAD exomes 0.00001; ExAC 0.00001.
gnomAD v4.1: 18 of 1,612,216 alleles (0.0011%); highest among the groups gnomAD compares: Non-Finnish European, 0.0014%; no homozygotes.

Submissions (2):

Labcorp Genetics (formerly Invitae), Labcorp
Classification: Uncertain significance. Last evaluated: 2021-10-08. Review status: criteria provided, single submitter. Criteria: Invitae Variant Classification Sherloc (09022015). Collection method: clinical testing. Allele origin: germline.
Comment: In summary, the available evidence is currently insufficient to determine the role of this variant in disease. Therefore, it has been classified as a Variant of Uncertain Significance. Algorithms developed to predict the effect of missense changes on protein structure and function are either unavailable or do not agree on the potential impact of this missense change (SIFT: "Deleterious"; PolyPhen-2: "Possibly Damaging"; Align-GVGD: "Class C0"). This variant has not been reported in the literature in individuals affected with RETREG1-related conditions. This variant is present in population databases (rs751185980, ExAC 0.002%). This sequence change replaces glutamic acid with glutamine at codon 259 of the RETREG1 protein (p.Glu259Gln). The glutamic acid residue is highly conserved and there is a small physicochemical difference between glutamic acid and glutamine.

Mayo Clinic Laboratories, Mayo Clinic
Classification: Uncertain significance. Last evaluated: 2021-07-09. Review status: criteria provided, single submitter. Criteria: ACMG Guidelines, 2015. Collection method: clinical testing. Allele origin: germline.